The following is an entry in ClinVar:

ClinVar aggregate classification (germline): Conflicting classifications of pathogenicity. Review status: criteria provided, conflicting classifications (1 of 4 stars). 2 submissions from 2 submitters: Uncertain significance (1); Likely benign (1). Last evaluated 2025-12-11.

Conditions:
Hereditary cancer-predisposing syndrome. Also called: Neoplastic Syndromes, Hereditary; Tumor predisposition; Hereditary neoplastic syndrome; Hereditary Cancer Syndrome. Identifiers: Orphanet 140162, MedGen C0027672, MeSH D009386, MONDO:0015356.
Rhabdoid tumor predisposition syndrome 2 (RTPS2). Identifiers: Orphanet 231108, Orphanet 69077, MedGen C2750074, MONDO:0013224, OMIM 613325.

Submissions (2):

Ambry Genetics
Classification: Likely benign for Hereditary cancer-predisposing syndrome. Last evaluated: 2025-12-11. Review status: criteria provided, single submitter. Criteria: Ambry Variant Classification Scheme 2023. Collection method: clinical testing. Allele origin: germline.

Labcorp Genetics (formerly Invitae), Labcorp
Classification: Uncertain significance for Rhabdoid tumor predisposition syndrome 2. Last evaluated: 2020-11-23. Review status: criteria provided, single submitter. Criteria: Invitae Variant Classification Sherloc (09022015). Collection method: clinical testing. Allele origin: germline.
Comment: This variant, c.708_731del, results in the deletion of 8 amino acid(s) of the SMARCA4 protein (p.Gly237_Pro244del), but otherwise preserves the integrity of the reading frame. The frequency data for this variant in the population databases is considered unreliable, as metrics indicate insufficient coverage at this position in the ExAC database. This variant has not been reported in the literature in individuals with SMARCA4-related conditions. ClinVar contains an entry for this variant (Variation ID: 826825). Experimental studies and prediction algorithms are not available or were not evaluated, and the functional significance of this variant is currently unknown. In summary, the available evidence is currently insufficient to determine the role of this variant in disease. Therefore, it has been classified as a Variant of Uncertain Significance.

NM_003072.5(SMARCA4):c.708_731del (p.229_230GP[4])

Gene: SMARCA4 (SWI/SNF related BAF chromatin remodeling complex subunit ATPase 4; plus strand). Cytogenetic location: 19p13.2.
Variant type: Deletion.
Coding change: c.708_731del on transcript NM_003072.5 (MANE Select); coding-DNA positions 708 to 731, 24 bases deleted (TGGCCCCGGCCCGGGTCCCGGCCC).
Protein change: p.229_230GP[4].
Molecular consequence: inframe deletion. On other transcripts: non-coding transcript variant (1).
Genome position (GRCh38, 1-based): chr19:10,986,541-10,986,564, TGGCCCCGGCCCGGGTCCCGGCCC deleted; deleting any 24 consecutive bases within chr19:10,986,536-10,986,564 gives the same sequence; the c. name uses the placement nearest the transcript's 3' end. VCF-style (leftmost placement, unchanged base first): chr19-10986535-TGGCCCTGGCCCCGGCCCGGGTCCC-T. GRCh37 (hg19) VCF-style: chr19-11097211-TGGCCCTGGCCCCGGCCCGGGTCCC-T.
Other names: c.708_731del, p.229_230GP[4] (NM_001128844.3, NM_001128845.2, NM_001128846.2 and 4 more transcripts).
Identifiers: ClinVar variation 826825 (VCV000826825.14), dbSNP rs1555753690, ClinGen allele CA915952565.
Genomic context (GRCh38, chr19:10,986,535, plus strand): 5'-GCAGCAGATGCCAACGCTACCTCCACCCTCGGTGTCCGCAACAGGACCCGGCCCTGGCCC[TGGCCCTGGCCCCGGCCCGGGTCCC>T]GGCCCGGCACCTCCAAATTACAGCAGGCCTCATGGTAAGACTGGCTGCCCTGGCCCTCAG-3'